The following is an entry in ClinVar:

ClinVar aggregate classification (germline): Benign. Review status: criteria provided, multiple submitters, no conflicts (2 of 4 stars). 3 submissions from 3 submitters: Benign (2). 1 of the submissions does not count toward it. Last evaluated 2018-02-26.

Conditions:
DIPK2B-related disorder. Also called: DIPK2B-related condition.

Allele frequency attached by ClinVar (database versions not stated): gnomAD exomes 0.00092; gnomAD 0.00384 and 0.00402; ESP Exome Variant Server 0.00394; TOPMed 0.00415; 1000 Genomes Project 0.00477; 1000 Genomes Project 30x 0.00541.
gnomAD v4.1: 953 of 1,210,112 alleles (0.079%); highest among the groups gnomAD compares: African/African-American, 1.4%; 3 homozygotes.

Submissions (3):

Labcorp Genetics (formerly Invitae), Labcorp
Classification: Benign. Last evaluated: 2018-02-26. Review status: criteria provided, single submitter. Criteria: Invitae Variant Classification Sherloc (09022015). Collection method: clinical testing. Allele origin: germline.

Breakthrough Genomics
Classification: Benign. Review status: criteria provided, single submitter. Criteria: ACMG Guidelines, 2015. Collection method: not provided. Allele origin: germline. Inheritance: Unknown mechanism. Affected: yes.

PreventionGenetics, part of Exact Sciences
Classification: Benign for DIPK2B-related condition. Last evaluated: 2019-10-04. Review status: no assertion criteria provided. Collection method: clinical testing. Allele origin: germline. Not counted in ClinVar's aggregate classification.
Comment: This variant is classified as benign based on ACMG/AMP sequence variant interpretation guidelines (Richards et al. 2015 PMID: 25741868, with internal and published modifications).

NM_176819.4(DIPK2B):c.1092G>A (p.Lys364=)

Gene: DIPK2B (divergent protein kinase domain 2B; minus strand). Cytogenetic location: Xp11.3.
Variant type: single nucleotide variant.
Coding change: c.1092G>A on transcript NM_176819.4 (MANE Select); coding-DNA position 1092, G replaced by A.
Protein change: p.Lys364=; no amino-acid change (lysine 364 retained).
Molecular consequence: synonymous variant.
Genome position (GRCh38, 1-based): chrX:45,151,862, C>T on the plus strand (G>A on the coding strand, the complement: DIPK2B is on the minus strand). VCF-style: chrX-45151862-C-T. GRCh37 (hg19) VCF-style: chrX-45011107-C-T.
Identifiers: ClinVar variation 711138 (VCV000711138.6), dbSNP rs142916210, ClinGen allele CA10392871.